The following is an entry in ClinVar:

ClinVar aggregate classification (germline): Likely benign. Review status: criteria provided, multiple submitters, no conflicts (2 of 4 stars). 3 submissions from 3 submitters: Likely benign (3). Last evaluated 2025-10-11.

Conditions:
Hereditary cancer-predisposing syndrome. Also called: Neoplastic Syndromes, Hereditary; Tumor predisposition; Hereditary neoplastic syndrome; Hereditary Cancer Syndrome. Identifiers: Orphanet 140162, MedGen C0027672, MeSH D009386, MONDO:0015356.
Familial adenomatous polyposis 2. Also called: COLORECTAL ADENOMATOUS POLYPOSIS, AUTOSOMAL RECESSIVE; ADENOMAS, MULTIPLE COLORECTAL, AUTOSOMAL RECESSIVE; MUTYH-associated polyposis; FAP type 2; MUTYH-related attenuated familial adenomatous polyposis; Adenomas, multiple colorectal. Identifiers: Orphanet 220460, Orphanet 247798, MedGen C3272841, MONDO:0012041, OMIM 608456.

Allele frequency attached by ClinVar (database versions not stated): gnomAD exomes below 0.00001; gnomAD 0.00001; TOPMed 0.00001.

Submissions (3):

Labcorp Genetics (formerly Invitae), Labcorp
Classification: Likely benign for Familial adenomatous polyposis 2. Last evaluated: 2025-10-11. Review status: criteria provided, single submitter. Criteria: Invitae Variant Classification Sherloc (09022015). Collection method: clinical testing. Allele origin: germline.

Women's Health and Genetics/Laboratory Corporation of America, LabCorp
Classification: Likely benign. Last evaluated: 2025-04-08. Review status: criteria provided, single submitter. Criteria: LabCorp Variant Classification Summary - May 2015. Collection method: clinical testing. Allele origin: germline.
Comment: Variant summary: MUTYH c.504+7G>A alters a nucleotide located close to a canonical splice site and therefore could affect mRNA splicing, leading to a significantly altered protein sequence. Consensus agreement among computation tools predict no significant impact on normal splicing. However, these predictions have yet to be confirmed by functional studies. The variant was absent in 250658 control chromosomes. The available data on variant occurrences in the general population are insufficient to allow any conclusion about variant significance. To our knowledge, no occurrence of c.504+7G>A in individuals affected with MUTYH-Associated Polyposis and no experimental evidence demonstrating its impact on protein function have been reported. ClinVar contains an entry for this variant (Variation ID: 464725). Based on the evidence outlined above, the variant was classified as likely benign.

Color Diagnostics, LLC DBA Color Health
Classification: Likely benign for Hereditary cancer-predisposing syndrome. Last evaluated: 2017-11-12. Review status: criteria provided, single submitter. Criteria: ACMG Guidelines, 2015. Collection method: clinical testing. Allele origin: germline.

NM_001048174.2(MUTYH):c.420+7G>A

Gene: MUTYH (mutY DNA glycosylase; minus strand). Cytogenetic location: 1p34.1.
Variant type: single nucleotide variant.
Coding change: c.420+7G>A on transcript NM_001048174.2 (MANE Select); 7 bases into the intron after coding-DNA position 420, G replaced by A.
Molecular consequence: intron variant.
Genome position (GRCh38, 1-based): chr1:45,332,911, C>T on the plus strand (G>A on the coding strand, the complement: MUTYH is on the minus strand). VCF-style: chr1-45332911-C-T. GRCh37 (hg19) VCF-style: chr1-45798583-C-T.
Other names: c.75+7G>A (NM_001350651.2, NM_001350650.2); c.144+7G>A (NM_001293192.2, NM_001293196.2); c.420+7G>A (NM_001048171.2, NM_001048173.2, NM_001293195.2); c.465+7G>A (NM_001293190.2); c.495+7G>A (NM_012222.3); c.504+7G>A (NM_001128425.2); c.423+7G>A (NM_001048172.2); c.453+7G>A (NM_001293191.2).
Identifiers: ClinVar variation 464725 (VCV000464725.16), dbSNP rs1052489573, ClinGen allele CA21838971.